The following is an entry in ClinVar:

NM_012448.4(STAT5B):c.2209C>T (p.Gln737Ter)

Gene: STAT5B (signal transducer and activator of transcription 5B; minus strand). Cytogenetic location: 17q21.2.
Variant type: single nucleotide variant.
Coding change: c.2209C>T on transcript NM_012448.4 (MANE Select); coding-DNA position 2209, C replaced by T.
Protein change: p.Gln737Ter; replaces glutamine 737 with a stop codon.
Molecular consequence: nonsense.
Genome position (GRCh38, 1-based): chr17:42,202,368, G>A on the plus strand (C>T on the coding strand, the complement: STAT5B is on the minus strand). VCF-style: chr17-42202368-G-A. GRCh37 (hg19) VCF-style: chr17-40354386-G-A.
Other names: short protein forms Q737*.
Identifiers: ClinVar variation 2770337 (VCV002770337.3), dbSNP rs2508697597, ClinGen allele CA399573252.
Genomic context (GRCh38, chr17:42,202,368, plus strand): 5'-CCCCTGTGGACCCCCACAAGAATGCCACCTACTTCTGTGGGTACATGTTATAGTGAGCCT[G>A]GGGACACACAGCTGGGGAGGGGGCCTGGTCCATGTACGTGGCGCTGCCGCCCCCGGCATC-3'

ClinVar aggregate classification (germline): Uncertain significance (1 of 4 stars; one submission).

Conditions:
Growth hormone insensitivity with immune dysregulation 1, autosomal recessive. Also called: Laron syndrome with immunodeficiency; GROWTH HORMONE INSENSITIVITY DUE TO POSTRECEPTOR DEFECT; LARON SYNDROME DUE TO POSTRECEPTOR DEFECT; GROWTH HORMONE INSENSITIVITY SYNDROME WITH IMMUNE DYSREGULATION 1, AUTOSOMAL RECESSIVE. Identifiers: Orphanet 220465, MedGen C5435698, MONDO:0100211, OMIM 245590.

Submission:

Labcorp Genetics (formerly Invitae), Labcorp
Classification: Uncertain significance for Growth hormone insensitivity with immune dysregulation 1, autosomal recessive. Last evaluated: 2023-10-29. Review status: criteria provided, single submitter. Criteria: Invitae Variant Classification Sherloc (09022015). Collection method: clinical testing. Allele origin: germline.
Comment: This sequence change creates a premature translational stop signal (p.Gln737*) in the STAT5B gene. While this is not anticipated to result in nonsense mediated decay, it is expected to disrupt the last 51 amino acid(s) of the STAT5B protein. This variant is not present in population databases (gnomAD no frequency). This variant has not been reported in the literature in individuals affected with STAT5B-related conditions. Experimental studies and prediction algorithms are not available or were not evaluated, and the functional significance of this variant is currently unknown. In summary, the available evidence is currently insufficient to determine the role of this variant in disease. Therefore, it has been classified as a Variant of Uncertain Significance.